The following is an entry in ClinVar:

NM_014000.3(VCL):c.701T>C (p.Val234Ala)

Gene: VCL (vinculin; plus strand). Cytogenetic location: 10q22.2.
Variant type: single nucleotide variant.
Coding change: c.701T>C on transcript NM_014000.3 (MANE Select); coding-DNA position 701, T replaced by C.
Protein change: p.Val234Ala; replaces valine 234 with alanine.
Molecular consequence: missense variant.
Genome position (GRCh38, 1-based): chr10:74,074,821, T>C. VCF-style: chr10-74074821-T-C. GRCh37 (hg19) VCF-style: chr10-75834579-T-C.
Other names: c.701T>C, p.Val234Ala (NM_003373.4); short protein forms V234A.
Identifiers: ClinVar variation 575250 (VCV000575250.7), dbSNP rs757655707, ClinGen allele CA5562836.

ClinVar aggregate classification (germline): Uncertain significance (1 of 4 stars; one submission).

Conditions:
Dilated cardiomyopathy 1W (CMD1W). Identifiers: Orphanet 154, MedGen C1969639, MONDO:0012667, OMIM 611407.

Allele frequency attached by ClinVar (database versions not stated): gnomAD exomes below 0.00001; ExAC 0.00001.
gnomAD v4.1: 1 of 1,614,178 alleles (0.000062%); highest among the groups gnomAD compares: Non-Finnish European, 0.000085%; no homozygotes.

Submission:

Labcorp Genetics (formerly Invitae), Labcorp
Classification: Uncertain significance for Dilated cardiomyopathy 1W. Last evaluated: 2018-06-28. Review status: criteria provided, single submitter. Criteria: Invitae Variant Classification Sherloc (09022015). Collection method: clinical testing. Allele origin: germline.
Comment: This variant has not been reported in the literature in individuals with VCL-related disease. This variant is present in population databases (rs757655707, ExAC 0.001%). This sequence change replaces valine with alanine at codon 234 of the VCL protein (p.Val234Ala). The valine residue is moderately conserved and there is a small physicochemical difference between valine and alanine. Algorithms developed to predict the effect of missense changes on protein structure and function (SIFT, PolyPhen-2, Align-GVGD) all suggest that this variant is likely to be tolerated, but these predictions have not been confirmed by published functional studies and their clinical significance is uncertain. In summary, the available evidence is currently insufficient to determine the role of this variant in disease. Therefore, it has been classified as a Variant of Uncertain Significance.